The following is an entry in ClinVar:

ClinVar aggregate classification (germline): Pathogenic/Likely pathogenic. Review status: criteria provided, multiple submitters, no conflicts (2 of 4 stars). 3 submissions from 3 submitters: Pathogenic (1); Likely pathogenic (2). Last evaluated 2025-08-28.

Conditions:
Pontocerebellar hypoplasia type 6 (PCH6). Identifiers: Orphanet 166073, MedGen C1969084, MONDO:0012683, OMIM 611523.

Allele frequency attached by ClinVar (database versions not stated): TOPMed 0.00001.

Submissions (3):

Natera, Inc.
Classification: Likely pathogenic for Pontocerebellar hypoplasia, type 6. Last evaluated: 2025-08-28. Review status: criteria provided, single submitter. Criteria: Natera Variant Classification Schema (03/2026). Collection method: clinical testing. Allele origin: germline.
Comment: The c.1381_1385delGTCTT variant in RARS2 is a frameshift variant predicted to shift the reading frame beginning at codon 461 and leads to a stop codon 22 codons downstream. This variant is expected to result in nonsense mediated decay, truncation, or a dysfunctional protein product. This variant is rare in the general population with a frequency below the threshold expected for the associated phenotype(s). Given the available evidence, this variant is classified as Likely Pathogenic.

Baylor Genetics
Classification: Likely pathogenic for Pontocerebellar hypoplasia type 6. Last evaluated: 2023-05-27. Review status: criteria provided, single submitter. Criteria: ACMG Guidelines, 2015. Collection method: clinical testing. Allele origin: unknown.

Labcorp Genetics (formerly Invitae), Labcorp
Classification: Pathogenic. Last evaluated: 2023-03-03. Review status: criteria provided, single submitter. Criteria: Invitae Variant Classification Sherloc (09022015). Collection method: clinical testing. Allele origin: germline.
Comment: This sequence change creates a premature translational stop signal (p.Val461Profs*22) in the RARS2 gene. It is expected to result in an absent or disrupted protein product. Loss-of-function variants in RARS2 are known to be pathogenic (PMID: 17847012, 22569581, 26083569). This variant is not present in population databases (gnomAD no frequency). This variant has not been reported in the literature in individuals affected with RARS2-related conditions. ClinVar contains an entry for this variant (Variation ID: 2127573). For these reasons, this variant has been classified as Pathogenic.

Literature cited by the submitters: PubMed 17847012 (cited by Labcorp Genetics (formerly Invitae), Labcorp); PubMed 22569581 (cited by Labcorp Genetics (formerly Invitae), Labcorp); PubMed 26083569 (cited by Labcorp Genetics (formerly Invitae), Labcorp).

NM_020320.5(RARS2):c.1381_1385del (p.Val461fs)

Gene: RARS2 (arginyl-tRNA synthetase 2, mitochondrial; minus strand). Cytogenetic location: 6q15.
Variant type: Deletion.
Coding change: c.1381_1385del on transcript NM_020320.5 (MANE Select); coding-DNA positions 1381 to 1385, 5 bases deleted (GTCTT; older notation c.1381_1385delGTCTT).
Protein change: p.Val461fs; shifts the reading frame from valine 461.
Molecular consequence: frameshift variant. On other transcripts: non-coding transcript variant (23).
Genome position (GRCh38, 1-based): chr6:87,518,660-87,518,664, AAGAC deleted on the plus strand (GTCTT on the coding strand, the reverse complement: RARS2 is on the minus strand). VCF-style (leftmost placement, unchanged base first): chr6-87518659-GAAGAC-G. GRCh37 (hg19) VCF-style: chr6-88228377-GAAGAC-G.
Other names: c.856_860del, p.Val286fs (NM_001318785.2, NM_001350506.2, NM_001350507.2 and 4 more transcripts); c.1381_1385del, p.Val461fs (NM_001350505.2); c.1381_1385delGTCTT (NM_020320.4); short protein forms V286fs, V461fs.
Identifiers: ClinVar variation 2127573 (VCV002127573.6), dbSNP rs1279587663, ClinGen allele CA829273829.
Genomic context (GRCh38, chr6:87,518,659, plus strand): 5'-AGCACAAGGTTTCCCTGCAGCCTCTTCTCACCTGTGGAGGCGGGCGTGTGTGTACTGTAG[GAAGAC>G]TCCTGTGTCCCCGCGACTCTGGAAAACACGATCCCAGCTGAACTTGTAGTCAGATAAGAG-3'